The following is an entry in ClinVar:

ClinVar aggregate classification (germline): Benign (1 of 4 stars; one submission).

Submission:

CeGaT Center for Human Genetics Tuebingen
Classification: Benign. Last evaluated: 2022-08-01. Review status: criteria provided, single submitter. Criteria: CeGaT Center For Human Genetics Tuebingen Variant Classification Criteria Version 2. Collection method: clinical testing. Allele origin: germline. Affected: yes. Observed: 1 variant allele.
Comment: PTCH1: BS1, BS2

NM_000264.5(PTCH1):c.*1866TG[7]

Gene: PTCH1 (patched 1; minus strand). Cytogenetic location: 9q22.32.
Variant type: Microsatellite.
Coding change: c.*1866TG[7] on transcript NM_000264.5 (MANE Select); seven copies in a row of the 2-base unit TG starting at c.*1866; the reference has nine copies in a row; two copies, 4 bases deleted.
Molecular consequence: 3 prime UTR variant. On other transcripts: non-coding transcript variant (1).
Genome position (GRCh38, 1-based): chr9:95,444,510-95,444,513, CACA deleted on the plus strand (TGTG on the coding strand, the reverse complement: PTCH1 is on the minus strand); deleting any 4 consecutive bases within chr9:95,444,510-95,444,528 gives the same sequence; the position shown is the placement nearest the transcript's 3' end. VCF-style (leftmost placement, unchanged base first): chr9-95444509-GCACA-G. GRCh37 (hg19) VCF-style: chr9-98206791-GCACA-G.
Other names: c.*1866TG[7] (NM_001083602.3, NM_001083603.3, NM_001083604.3 and 4 more transcripts).
Identifiers: ClinVar variation 2659323 (VCV002659323.24), dbSNP rs59205702, ClinGen allele CA196553326.